The following is an entry in ClinVar:

NC_000012.11:g.(?_12870768)_(12871886_?)del

Gene: CDKN1B (cyclin dependent kinase inhibitor 1B; plus strand). Cytogenetic location: 12p13.1.
Variant type: Deletion.
Identifiers: ClinVar variation 1070862 (VCV001070862.2).

ClinVar aggregate classification (germline): Pathogenic (1 of 4 stars; one submission).

Conditions:
Multiple endocrine neoplasia type 4. Also called: MULTIPLE ENDOCRINE NEOPLASIA, TYPE IV. Identifiers: Orphanet 276152, MedGen C1970712, MONDO:0012552, OMIM 610755.

Submission:

Labcorp Genetics (formerly Invitae), Labcorp
Classification: Pathogenic for Multiple endocrine neoplasia type 4. Last evaluated: 2018-01-18. Review status: criteria provided, single submitter. Criteria: Invitae Variant Classification Sherloc (09022015). Collection method: clinical testing. Allele origin: germline.
Comment: A gross deletion of the genomic region encompassing the full coding sequence of the CDKN1B gene has been identified. The boundaries of this event are unknown as the deletion extends beyond the assayed region for this gene and therefore may encompass additional genes. This particular variant has not been reported in the literature in individuals with CDKN1B-related disease. Loss-of-function variants in CDKN1B are known to be pathogenic (PMID: 17030811, 24819502). For these reasons, this variant has been classified as Pathogenic.

Literature cited by the submitters: PubMed 17030811; PubMed 24819502.